The following is an entry in ClinVar:

ClinVar aggregate classification (germline): Uncertain significance (1 of 4 stars; one submission).

Conditions:
Muscular dystrophy-dystroglycanopathy type B6 (MDDGB6). Also called: MUSCULAR DYSTROPHY, CONGENITAL, LARGE-RELATED; MUSCULAR DYSTROPHY, CONGENITAL, TYPE 1D; MUSCULAR DYSTROPHY-DYSTROGLYCANOPATHY (CONGENITAL WITH IMPAIRED INTELLECTUAL DEVELOPMENT), TYPE B, 6. Identifiers: MedGen C1837229, MONDO:0012138, OMIM 608840.

Submission:

Labcorp Genetics (formerly Invitae), Labcorp
Classification: Uncertain significance for Muscular dystrophy-dystroglycanopathy type B6. Last evaluated: 2021-08-25. Review status: criteria provided, single submitter. Criteria: Invitae Variant Classification Sherloc (09022015). Collection method: clinical testing. Allele origin: germline.
Comment: Algorithms developed to predict the effect of missense changes on protein structure and function are either unavailable or do not agree on the potential impact of this missense change (SIFT: "Deleterious"; PolyPhen-2: "Benign"; Align-GVGD: "Class C55"). In summary, the available evidence is currently insufficient to determine the role of this variant in disease. Therefore, it has been classified as a Variant of Uncertain Significance. This sequence change replaces methionine with lysine at codon 559 of the LARGE1 protein (p.Met559Lys). The methionine residue is moderately conserved and there is a moderate physicochemical difference between methionine and lysine. This variant is not present in population databases (ExAC no frequency). This variant has not been reported in the literature in individuals affected with LARGE1-related conditions.

NM_133642.5(LARGE1):c.1676T>A (p.Met559Lys)

Gene: LARGE1 (LARGE xylosyl- and glucuronyltransferase 1; minus strand). Cytogenetic location: 22q12.3.
Variant type: single nucleotide variant.
Coding change: c.1676T>A on transcript NM_133642.5 (MANE Select); coding-DNA position 1676, T replaced by A.
Protein change: p.Met559Lys; replaces methionine 559 with lysine.
Molecular consequence: missense variant.
Genome position (GRCh38, 1-based): chr22:33,304,283, A>T on the plus strand (T>A on the coding strand, the complement: LARGE1 is on the minus strand). VCF-style: chr22-33304283-A-T. GRCh37 (hg19) VCF-style: chr22-33700269-A-T.
Other names: c.1676T>A, p.Met559Lys (NM_001362949.2, NM_001362951.2, NM_001362953.2 and 6 more transcripts); c.1520T>A, p.Met507Lys (NM_001378629.1); c.1073T>A, p.Met358Lys (NM_001378630.1); c.917T>A, p.Met306Lys (NM_001378631.1); short protein forms M507K, M559K, M358K, M306K.
Identifiers: ClinVar variation 1377551 (VCV001377551.6), dbSNP rs2146163535, ClinGen allele CA411544204.